The following is an entry in ClinVar:

NM_181507.2(HPS5):c.498G>A (p.Met166Ile)

Gene: HPS5 (HPS5 biogenesis of lysosomal organelles complex 2 subunit 2; minus strand). Cytogenetic location: 11p15.1.
Variant type: single nucleotide variant.
Coding change: c.498G>A on transcript NM_181507.2 (MANE Select); coding-DNA position 498, G replaced by A.
Protein change: p.Met166Ile; replaces methionine 166 with isoleucine.
Molecular consequence: missense variant.
Genome position (GRCh38, 1-based): chr11:18,309,059, C>T on the plus strand (G>A on the coding strand, the complement: HPS5 is on the minus strand). VCF-style: chr11-18309059-C-T. GRCh37 (hg19) VCF-style: chr11-18330606-C-T.
Other names: c.156G>A, p.Met52Ile (NM_007216.4, NM_181508.2); short protein forms M166I, M52I.
Identifiers: ClinVar variation 1314678 (VCV001314678.11), dbSNP rs376394146, ClinGen allele CA5910416.

ClinVar aggregate classification (germline): Uncertain significance. Review status: criteria provided, multiple submitters, no conflicts (2 of 4 stars). 3 submissions from 3 submitters: Uncertain significance (3). Last evaluated 2024-05-22.

Conditions:
Inborn genetic diseases. Identifiers: MedGen C0950123, MeSH D030342.

Allele frequency attached by ClinVar (database versions not stated): ExAC 0.00003; gnomAD 0.00005; gnomAD exomes 0.00006; TOPMed 0.00006; ESP Exome Variant Server 0.00015.

Submissions (3):

GeneDx
Classification: Uncertain significance. Last evaluated: 2024-05-22. Review status: criteria provided, single submitter. Criteria: GeneDx Variant Classification Process June 2021. Collection method: clinical testing. Allele origin: germline. Affected: yes.
Comment: In silico analysis supports that this missense variant does not alter protein structure/function; Has not been previously published as pathogenic or benign to our knowledge

Ambry Genetics
Classification: Uncertain significance for Inborn genetic diseases. Last evaluated: 2024-01-08. Review status: criteria provided, single submitter. Criteria: Ambry Variant Classification Scheme 2023. Collection method: clinical testing. Allele origin: germline.

Labcorp Genetics (formerly Invitae), Labcorp
Classification: Uncertain significance. Last evaluated: 2022-06-13. Review status: criteria provided, single submitter. Criteria: Invitae Variant Classification Sherloc (09022015). Collection method: clinical testing. Allele origin: germline.
Comment: This sequence change replaces methionine, which is neutral and non-polar, with isoleucine, which is neutral and non-polar, at codon 166 of the HPS5 protein (p.Met166Ile). This variant is present in population databases (rs376394146, gnomAD 0.01%). This variant has not been reported in the literature in individuals affected with HPS5-related conditions. ClinVar contains an entry for this variant (Variation ID: 1314678). Algorithms developed to predict the effect of missense changes on protein structure and function output the following: SIFT: "Tolerated"; PolyPhen-2: "Benign"; Align-GVGD: "Class C0". The isoleucine amino acid residue is found in multiple mammalian species, which suggests that this missense change does not adversely affect protein function. In summary, the available evidence is currently insufficient to determine the role of this variant in disease. Therefore, it has been classified as a Variant of Uncertain Significance.